The following is an entry in ClinVar:

ClinVar aggregate classification (germline): Conflicting classifications of pathogenicity. Review status: criteria provided, conflicting classifications (1 of 4 stars). 6 submissions from 6 submitters: Uncertain significance (5); Likely benign (1). Last evaluated 2025-04-04.

Conditions:
Breast-ovarian cancer, familial, susceptibility to, 1 (BROVCA1). Also called: BRCA1 Hereditary Breast and Ovarian Cancer; OVARIAN CANCER, SUSCEPTIBILITY TO. Identifiers: Orphanet 145, MedGen C2676676, MONDO:0011450, OMIM 604370. Disease mechanism: loss of function.
Hereditary breast ovarian cancer syndrome. Also called: Hereditary breast and ovarian cancer; Hereditary breast and ovarian cancer syndrome; Hereditary breast and ovarian cancer syndrome (HBOC); Breast and ovarian cancer; BRCA1- and BRCA2-Associated Hereditary Breast and Ovarian Cancer; Hereditary breast and/or ovarian cancer syndrome. Identifiers: Orphanet 145, MedGen C0677776, MeSH D061325, MONDO:0003582. Disease mechanism: loss of function.
Hereditary cancer-predisposing syndrome. Also called: Tumor predisposition; Neoplastic Syndromes, Hereditary; Hereditary Cancer Syndrome; Hereditary neoplastic syndrome. Identifiers: Orphanet 140162, MedGen C0027672, MeSH D009386, MONDO:0015356.

Allele frequency attached by ClinVar (database versions not stated): gnomAD exomes below 0.00001; TOPMed below 0.00001.
gnomAD v4.1: 3 of 1,614,016 alleles (0.00019%); highest among the groups gnomAD compares: Non-Finnish European, 0.00017%; no homozygotes.

Submissions (6):

Ambry Genetics
Classification: Uncertain significance for Hereditary cancer-predisposing syndrome. Last evaluated: 2025-04-04. Review status: criteria provided, single submitter. Criteria: Ambry Variant Classification Scheme 2023. Collection method: clinical testing. Allele origin: germline.
Comment: The p.G484R variant (also known as c.1450G>A), located in coding exon 9 of the BRCA1 gene, results from a G to A substitution at nucleotide position 1450. The glycine at codon 484 is replaced by arginine, an amino acid with dissimilar properties. This amino acid position is not well conserved in available vertebrate species. In addition, the in silico prediction for this alteration is inconclusive. Based on the available evidence, the clinical significance of this variant remains unclear.

Labcorp Genetics (formerly Invitae), Labcorp
Classification: Uncertain significance for Hereditary breast ovarian cancer syndrome. Last evaluated: 2025-02-18. Review status: criteria provided, single submitter. Criteria: Invitae Variant Classification Sherloc (09022015). Collection method: clinical testing. Allele origin: germline.
Comment: This sequence change replaces glycine, which is neutral and non-polar, with arginine, which is basic and polar, at codon 484 of the BRCA1 protein (p.Gly484Arg). This variant is present in population databases (no rsID available, gnomAD 0.004%). This variant has not been reported in the literature in individuals affected with BRCA1-related conditions. ClinVar contains an entry for this variant (Variation ID: 568267). Invitae Evidence Modeling of protein sequence and biophysical properties (such as structural, functional, and spatial information, amino acid conservation, physicochemical variation, residue mobility, and thermodynamic stability) indicates that this missense variant is not expected to disrupt BRCA1 protein function with a negative predictive value of 80%. In summary, the available evidence is currently insufficient to determine the role of this variant in disease. Therefore, it has been classified as a Variant of Uncertain Significance.

Color Diagnostics, LLC DBA Color Health
Classification: Uncertain significance for Hereditary cancer-predisposing syndrome. Last evaluated: 2024-05-07. Review status: criteria provided, single submitter. Criteria: ACMG Guidelines, 2015. Collection method: clinical testing. Allele origin: germline.
Comment: This missense variant replaces glycine with arginine at codon 484 of the BRCA1 protein. Computational prediction is inconclusive regarding the impact of this variant on protein structure and function. To our knowledge, functional studies have not been reported for this variant. This variant has not been reported in individuals affected with BRCA1-related disorders in the literature. This variant has not been identified in the general population by the Genome Aggregation Database (gnomAD). The available evidence is insufficient to determine the role of this variant in disease conclusively. Therefore, this variant is classified as a Variant of Uncertain Significance.

All of Us Research Program, National Institutes of Health
Classification: Uncertain significance for Breast-ovarian cancer, familial, susceptibility to, 1. Last evaluated: 2023-06-28. Review status: criteria provided, single submitter. Criteria: ACMG Guidelines, 2015. Collection method: clinical testing. Allele origin: germline. Inheritance: Autosomal dominant inheritance. Observed: 1 variant allele, 1 heterozygote.
Comment: This study involves interpretation of variants in research participants for the purpose of population health screening. Participant phenotype was not available at the time of variant classification. Additional details can be found in publication PMID: 35346344, PMCID: PMC8962531

Women's Health and Genetics/Laboratory Corporation of America, LabCorp
Classification: Uncertain significance. Last evaluated: 2023-06-01. Review status: criteria provided, single submitter. Criteria: LabCorp Variant Classification Summary - May 2015. Collection method: clinical testing. Allele origin: germline.
Comment: Variant summary: BRCA1 c.1450G>A (p.Gly484Arg) results in a non-conservative amino acid change in the encoded protein sequence. Three of five in-silico tools predict a damaging effect of the variant on protein function. The variant was absent in 251280 control chromosomes. The available data on variant occurrences in the general population are insufficient to allow any conclusion about variant significance. To our knowledge, no occurrence of c.1450G>A in individuals affected with Hereditary Breast And Ovarian Cancer Syndrome and no experimental evidence demonstrating its impact on protein function have been reported. Four ClinVar submitters have submitted clinical-significance assessments for this variant to ClinVar after 2014. Three of these submitters classified the variant as a variant of uncertain significance, and one classified it as likely benign. Based on the evidence outlined above, the variant was classified as uncertain significance.

University of Washington Department of Laboratory Medicine, University of Washington
Classification: Likely benign for Hereditary cancer-predisposing syndrome. Last evaluated: 2023-03-23. Review status: criteria provided, single submitter. Criteria: Dines et al. (Genet Med. 2020). Collection method: curation. Allele origin: germline.
Comment: Missense variant in a coldspot region where missense variants are very unlikely to be pathogenic (PMID:31911673).

BRCA1 coldspot (exon 11 using historical exon numbering). Reclassification based on statistical prior probability

NM_007294.4(BRCA1):c.1450G>A (p.Gly484Arg)

Gene: BRCA1 (BRCA1 DNA repair associated; minus strand). Cytogenetic location: 17q21.31.
Variant type: single nucleotide variant.
Coding change: c.1450G>A on transcript NM_007294.4 (MANE Select); coding-DNA position 1450, G replaced by A.
Protein change: p.Gly484Arg; replaces glycine 484 with arginine.
Molecular consequence: missense variant. On other transcripts: intron variant (137).
Genome position (GRCh38, 1-based): chr17:43,094,081, C>T on the plus strand (G>A on the coding strand, the complement: BRCA1 is on the minus strand). VCF-style: chr17-43094081-C-T. GRCh37 (hg19) VCF-style: chr17-41246098-C-T.
Other names: c.1237G>A, p.Gly413Arg (NM_001407571.1, NM_001407915.1, NM_001407853.1 and 9 more transcripts); c.1450G>A, p.Gly484Arg (NM_001407581.1, NM_001407582.1, NM_001407583.1 and 30 more transcripts); c.1447G>A, p.Gly483Arg (NM_001407587.1, NM_001407590.1, NM_001407591.1 and 22 more transcripts); c.1324G>A, p.Gly442Arg (NM_001407649.1, NM_001407670.1, NM_001407671.1 and 11 more transcripts); c.1372G>A, p.Gly458Arg (NM_001407653.1, NM_001407654.1, NM_001407655.1 and 4 more transcripts); c.1369G>A, p.Gly457Arg (NM_001407659.1, NM_001407660.1, NM_001407661.1 and 1 more transcripts); c.1327G>A, p.Gly443Arg (NM_001407674.1, NM_001407675.1, NM_001407676.1 and 19 more transcripts); c.1309G>A, p.Gly437Arg (NM_001407692.1, NM_001407694.1, NM_001407695.1 and 29 more transcripts); and 40 more; short protein forms G484R, G437R, G372R, G417R, G442R, G357R, G413R, G443R.
Identifiers: ClinVar variation 568267 (VCV000568267.21), dbSNP rs80357304, ClinGen allele CA10599141.
Genomic context (GRCh38, chr17:43,094,081, plus strand): 5'-GCTTTAATTTATTTGTGAGGGGACGCTCTTGTATTATCTGTGGCTCAGTAACAAATGCTC[C>T]TATAATTAGATTTTCAGTTACATGGCTTAAGTTGGGGAGGCTTGCCTTCTTCCGATAGGT-3'
Protein context (NP_009225.1, residues 474-494): LSHVTENLII[Gly484Arg]AFVTEPQIIQ